The following is an entry in ClinVar:

NM_005097.4(LGI1):c.1247C>A (p.Ala416Glu)

Gene: LGI1 (leucine rich glioma inactivated 1; plus strand). Cytogenetic location: 10q23.33.
Variant type: single nucleotide variant.
Coding change: c.1247C>A on transcript NM_005097.4 (MANE Select); coding-DNA position 1247, C replaced by A.
Protein change: p.Ala416Glu; replaces alanine 416 with glutamic acid.
Molecular consequence: missense variant. On other transcripts: non-coding transcript variant (1), intron variant (1).
Genome position (GRCh38, 1-based): chr10:93,797,376, C>A. VCF-style: chr10-93797376-C-A. GRCh37 (hg19) VCF-style: chr10-95557133-C-A.
Other names: c.1103C>A, p.Ala368Glu (NM_001308276.2); c.839-373C>A (NM_001308275.2); short protein forms A368E, A416E.
Identifiers: ClinVar variation 3392785 (VCV003392785.1).

ClinVar aggregate classification (germline): Uncertain significance (1 of 4 stars; one submission).

Submission:

GeneDx
Classification: Uncertain significance. Last evaluated: 2024-06-26. Review status: criteria provided, single submitter. Criteria: GeneDx Variant Classification Process June 2021. Collection method: clinical testing. Allele origin: germline. Affected: yes.
Comment: Not observed at significant frequency in large population cohorts (gnomAD); In silico analysis indicates that this missense variant does not alter protein structure/function; Has not been previously published as pathogenic or benign to our knowledge